The following is an entry in ClinVar:

ClinVar aggregate classification (germline): Benign. Review status: criteria provided, multiple submitters, no conflicts (2 of 4 stars). 2 submissions from 2 submitters: Benign (2). Last evaluated 2018-01-12.

Conditions:
Melanoma, cutaneous malignant, susceptibility to, 3. Also called: Cutaneous malignant melanoma 3. Identifiers: Orphanet 618, MedGen C1836892, MONDO:0012183, OMIM 609048.

Allele frequency attached by ClinVar (database versions not stated): gnomAD exomes 0.14860; 1000 Genomes Project 0.20927; 1000 Genomes Project 30x 0.21549; gnomAD 0.21860 and 0.22296; TOPMed 0.23504.
gnomAD v4.1: 35,620 of 168,038 alleles (21%); highest among the groups gnomAD compares: Admixed American, 29%; 4,201 homozygotes.

Submissions (2):

Illumina Laboratory Services, Illumina
Classification: Benign for Melanoma, cutaneous malignant, susceptibility to, 3. Last evaluated: 2018-01-12. Review status: criteria provided, single submitter. Criteria: ICSL Variant Classification Criteria 13 December 2019. Collection method: clinical testing. Allele origin: germline.
Comment: This variant was observed in the ICSL laboratory as part of a predisposition screen in an ostensibly healthy population. It had not been previously curated by ICSL or reported in the Human Gene Mutation Database (HGMD: prior to June 1st, 2018), and was therefore a candidate for classification through an automated scoring system. Utilizing variant allele frequency, disease prevalence and penetrance estimates, and inheritance mode, an automated score was calculated to assess if this variant is too frequent to cause the disease. Based on the score and internal cut-off values, a variant classified as benign is not then subjected to further curation. The score for this variant resulted in a classification of benign for this disease.

Breakthrough Genomics
Classification: Benign. Review status: criteria provided, single submitter. Criteria: ACMG Guidelines, 2015. Collection method: not provided. Allele origin: germline. Inheritance: Autosomal dominant inheritance. Affected: yes.

NM_000075.4(CDK4):c.*706G>A

Genes: TSPAN31 (tetraspanin 31; plus strand), CDK4 (cyclin dependent kinase 4; minus strand). Cytogenetic location: 12q14.1.
Variant type: single nucleotide variant.
Coding change: c.*706G>A on transcript NM_000075.4 (MANE Select); 706 bases downstream of the stop codon, G replaced by A.
Molecular consequence: 3 prime UTR variant.
Genome position (GRCh38, 1-based): chr12:57,747,819, C>T on the plus strand (G>A on the coding strand, the complement: CDK4 is on the minus strand). VCF-style: chr12-57747819-C-T. GRCh37 (hg19) VCF-style: chr12-58141602-C-T.
Other names: c.*529C>T (NM_001330168.2, NM_001330169.2, NM_005981.5).
Identifiers: ClinVar variation 309965 (VCV000309965.6), dbSNP rs184712, ClinGen allele CA10633349.